The following is an entry in ClinVar:

NM_012338.4(TSPAN12):c.587A>G (p.Glu196Gly)

Gene: TSPAN12 (tetraspanin 12; minus strand). Cytogenetic location: 7q31.31.
Variant type: single nucleotide variant.
Coding change: c.587A>G on transcript NM_012338.4 (MANE Select); coding-DNA position 587, A replaced by G.
Protein change: p.Glu196Gly; replaces glutamic acid 196 with glycine.
Molecular consequence: missense variant.
Genome position (GRCh38, 1-based): chr7:120,806,574, T>C on the plus strand (A>G on the coding strand, the complement: TSPAN12 is on the minus strand). VCF-style: chr7-120806574-T-C. GRCh37 (hg19) VCF-style: chr7-120446628-T-C.
Other names: short protein forms E196G.
Identifiers: ClinVar variation 1958999 (VCV001958999.5), dbSNP rs779474330, ClinGen allele CA4453853.

ClinVar aggregate classification (germline): Uncertain significance (1 of 4 stars; one submission).

Allele frequency attached by ClinVar (database versions not stated): ExAC 0.00001; gnomAD exomes 0.00001; gnomAD 0.00002; TOPMed 0.00002.
gnomAD v4.1: 16 of 1,613,398 alleles (0.00099%); highest among the groups gnomAD compares: Admixed American, 0.0017%; no homozygotes.

Submission:

Labcorp Genetics (formerly Invitae), Labcorp
Classification: Uncertain significance. Last evaluated: 2022-07-19. Review status: criteria provided, single submitter. Criteria: Invitae Variant Classification Sherloc (09022015). Collection method: clinical testing. Allele origin: germline.
Comment: Algorithms developed to predict the effect of missense changes on protein structure and function are either unavailable or do not agree on the potential impact of this missense change (SIFT: "Deleterious"; PolyPhen-2: "Benign"; Align-GVGD: "Class C0"). This variant has not been reported in the literature in individuals affected with TSPAN12-related conditions. This variant is present in population databases (rs779474330, gnomAD 0.003%). This sequence change replaces glutamic acid, which is acidic and polar, with glycine, which is neutral and non-polar, at codon 196 of the TSPAN12 protein (p.Glu196Gly). In summary, the available evidence is currently insufficient to determine the role of this variant in disease. Therefore, it has been classified as a Variant of Uncertain Significance.